The following is an entry in ClinVar:

NM_000061.3(BTK):c.918C>T (p.Val306=)

Gene: BTK (Bruton tyrosine kinase; minus strand). Cytogenetic location: Xq22.1.
Variant type: single nucleotide variant.
Coding change: c.918C>T on transcript NM_000061.3 (MANE Select); coding-DNA position 918, C replaced by T.
Protein change: p.Val306=; no amino-acid change (valine 306 retained).
Molecular consequence: synonymous variant.
Genome position (GRCh38, 1-based): chrX:101,358,673, G>A on the plus strand (C>T on the coding strand, the complement: BTK is on the minus strand). VCF-style: chrX-101358673-G-A. GRCh37 (hg19) VCF-style: chrX-100613661-G-A.
Other names: c.1020C>T, p.Val340= (NM_001287344.2); c.918C>T, p.Val306= (NM_001287345.2).
Identifiers: ClinVar variation 4689410 (VCV004689410.1).

ClinVar aggregate classification (germline): Likely benign (1 of 4 stars; one submission).

Submission:

Women's Health and Genetics/Laboratory Corporation of America, LabCorp
Classification: Likely benign. Last evaluated: 2026-01-14. Review status: criteria provided, single submitter. Criteria: LabCorp Variant Classification Summary - May 2015. Collection method: clinical testing. Allele origin: germline.
Comment: Variant summary: BTK c.918C>T alters a conserved nucleotide resulting in a synonymous change. Consensus agreement among computation tools predict no significant impact on normal splicing. However, these predictions have yet to be confirmed by functional studies. The variant was absent in 183497 control chromosomes. The available data on variant occurrences in the general population are insufficient to allow any conclusion about variant significance. To our knowledge, no occurrence of c.918C>T in individuals affected with BTK-related conditions and no experimental evidence demonstrating its impact on protein function have been reported. No submitters have cited clinical-significance assessments for this variant to ClinVar. Based on the evidence outlined above, the variant was classified as likely benign.